The following is an entry in ClinVar:

NM_000059.4(BRCA2):c.9018_9019insTCTA (p.Arg3007fs)

Gene: BRCA2 (BRCA2 DNA repair associated; plus strand). Cytogenetic location: 13q13.1.
Variant type: Insertion.
Coding change: c.9018_9019insTCTA on transcript NM_000059.4 (MANE Select); coding-DNA positions 9018 to 9019, TCTA inserted.
Protein change: p.Arg3007fs; shifts the reading frame from arginine 3007.
Molecular consequence: frameshift variant.
Genome position: GRCh38 VCF-style: chr13-32379814-C-CTCTA. GRCh37 (hg19) VCF-style: chr13-32953951-C-CTCTA.
Other names: short protein forms R3007fs.
Identifiers: ClinVar variation 52729 (VCV000052729.3), dbSNP rs397508030, ClinGen allele CA025929.

ClinVar aggregate classification (germline): Pathogenic. Review status: reviewed by expert panel (3 of 4 stars). 2 submissions from 2 submitters: Pathogenic (1). 1 of the submissions does not count toward it. Last evaluated 2017-12-15.

Conditions:
Breast-ovarian cancer, familial, susceptibility to, 2 (BROVCA2). Also called: BRCA2 Hereditary Breast and Ovarian Cancer. Identifiers: Orphanet 145, MedGen C2675520, MONDO:0012933, OMIM 612555. Disease mechanism: loss of function.
Familial cancer of breast. Also called: BREAST CANCER, FAMILIAL; Hereditary breast cancer; hereditary breast carcinoma. Identifiers: Orphanet 227535, MedGen C0346153, MONDO:0016419, OMIM 114480. Disease mechanism: loss of function.

Submissions (2):

Evidence-based Network for the Interpretation of Germline Mutant Alleles (ENIGMA)
Classification: Pathogenic for Breast-ovarian cancer, familial, susceptibility to, 2. Last evaluated: 2017-12-15. Review status: reviewed by expert panel. Criteria: ENIGMA BRCA1/2 Classification Criteria (2017-06-29). Collection method: curation. Allele origin: germline. Study: ENIGMA.
Comment: Variant allele predicted to encode a truncated non-functional protein.

ClinVar Staff, National Center for Biotechnology Information (NCBI)
No classification provided. Condition: Familial cancer of breast. Review status: no classification provided. Collection method: literature only. Allele origin: germline. Affected: yes. Not counted in ClinVar's aggregate classification.

Literature cited by the submitters: PubMed 22762150 (cited by ClinVar Staff, National Center for Biotechnology Information (NCBI)).